The following is an entry in ClinVar:

ClinVar aggregate classification (germline): Likely benign (1 of 4 stars; one submission).

Conditions:
Arterial tortuosity syndrome (ATORS). Identifiers: Orphanet 3342, MedGen C1859726, MONDO:0008818, OMIM 208050.

Allele frequency attached by ClinVar (database versions not stated): gnomAD exomes 0.00036; gnomAD 0.00231 and 0.00240; TOPMed 0.00258; 1000 Genomes Project 30x 0.00297; 1000 Genomes Project 0.00319.

Submissions (2):

Illumina Laboratory Services, Illumina
Classification: Likely benign for Arterial tortuosity syndrome. Last evaluated: 2018-01-12. Review status: criteria provided, single submitter. Criteria: ICSL Variant Classification Criteria 13 December 2019. Collection method: clinical testing. Allele origin: germline.
Comment: This variant was observed in the ICSL laboratory as part of a predisposition screen in an ostensibly healthy population. It had not been previously curated by ICSL or reported in the Human Gene Mutation Database (HGMD: prior to June 1st, 2018), and was therefore a candidate for classification through an automated scoring system. Utilizing variant allele frequency, disease prevalence and penetrance estimates, and inheritance mode, an automated score was calculated to assess if this variant is too frequent to cause the disease. Based on the score and internal cut-off values, a variant classified as likely benign is not then subjected to further curation. The score for this variant resulted in a classification of likely benign for this disease.

Dr. Peter K. Rogan Lab, Western University
No classification provided (evidence only). Condition: Thymoma. Review status: no classification provided. Collection method: in vitro. Allele origin: not applicable. Functional consequence: retained intron. Not counted in ClinVar's aggregate classification.

NM_030777.4(SLC2A10):c.*194G>T

Gene: SLC2A10 (solute carrier family 2 member 10; plus strand). Cytogenetic location: 20q13.12.
Variant type: single nucleotide variant.
Coding change: c.*194G>T on transcript NM_030777.4 (MANE Select); 194 bases downstream of the stop codon, G replaced by T.
Molecular consequence: 3 prime UTR variant.
Genome position (GRCh38, 1-based): chr20:46,734,028, G>T. VCF-style: chr20-46734028-G-T. GRCh37 (hg19) VCF-style: chr20-45362667-G-T.
Other names: NC_000020.10:g.45362667G>T.
Identifiers: ClinVar variation 894922 (VCV000894922.5), dbSNP rs192739192, ClinGen allele CA315761157.